The following is an entry in ClinVar:

NM_004360.5(CDH1):c.963G>T (p.Arg321Ser)

Gene: CDH1 (cadherin 1; plus strand). Cytogenetic location: 16q22.1.
Variant type: single nucleotide variant.
Coding change: c.963G>T on transcript NM_004360.5 (MANE Select); coding-DNA position 963, G replaced by T.
Protein change: p.Arg321Ser; replaces arginine 321 with serine.
Molecular consequence: missense variant. On other transcripts: 5 prime UTR variant (2).
Genome position (GRCh38, 1-based): chr16:68,811,814, G>T. VCF-style: chr16-68811814-G-T. GRCh37 (hg19) VCF-style: chr16-68845717-G-T.
Other names: c.963G>T, p.Arg321Ser (NM_001317184.2); c.-653G>T (NM_001317185.2); c.-857G>T (NM_001317186.2); short protein forms R321S.
Identifiers: ClinVar variation 2842356 (VCV002842356.3), dbSNP rs1060501231, ClinGen allele CA396459819.
Genomic context (GRCh38, chr16:68,811,814, plus strand): 5'-TTACACCATCCTCAGCCAAGATCCTGAGCTCCCTGACAAAAATATGTTCACCATTAACAG[G>T]AACACAGGAGTCATCAGTGTGGTCACCACTGGGCTGGACCGAGAGGTCAGGGGTCAGGAG-3'
Protein context (NP_004351.1, residues 311-331): LPDKNMFTIN[Arg321Ser]NTGVISVVTT

ClinVar aggregate classification (germline): Uncertain significance (1 of 4 stars; one submission).

Conditions:
Hereditary diffuse gastric adenocarcinoma (HDGC). Also called: DIFFUSE GASTRIC AND LOBULAR BREAST CANCER SYNDROME. Identifiers: Orphanet 26106, MedGen C1708349, MONDO:0007648, OMIM 137215.

Submission:

Labcorp Genetics (formerly Invitae), Labcorp
Classification: Uncertain significance for Hereditary diffuse gastric adenocarcinoma. Last evaluated: 2023-03-03. Review status: criteria provided, single submitter. Criteria: Invitae Variant Classification Sherloc (09022015). Collection method: clinical testing. Allele origin: germline.
Comment: An algorithm developed to predict the effect of missense changes on protein structure and function (PolyPhen-2) suggests that this variant is likely to be tolerated. Algorithms developed to predict the effect of sequence changes on RNA splicing suggest that this variant may create or strengthen a splice site. In summary, the available evidence is currently insufficient to determine the role of this variant in disease. Therefore, it has been classified as a Variant of Uncertain Significance. This variant has not been reported in the literature in individuals affected with CDH1-related conditions. This sequence change replaces arginine, which is basic and polar, with serine, which is neutral and polar, at codon 321 of the CDH1 protein (p.Arg321Ser). This variant is not present in population databases (gnomAD no frequency).